The following is an entry in ClinVar:

NM_004336.5(BUB1):c.2203+4C>T

Gene: BUB1 (BUB1 mitotic checkpoint serine/threonine kinase; minus strand). Cytogenetic location: 2q13.
Variant type: single nucleotide variant.
Coding change: c.2203+4C>T on transcript NM_004336.5 (MANE Select); 4 bases into the intron after coding-DNA position 2203, C replaced by T.
Molecular consequence: intron variant.
Genome position (GRCh38, 1-based): chr2:110,650,542, G>A on the plus strand (C>T on the coding strand, the complement: BUB1 is on the minus strand). VCF-style: chr2-110650542-G-A. GRCh37 (hg19) VCF-style: chr2-111408119-G-A.
Other names: c.2203+4C>T (NM_004336.4, NM_001278617.2); c.2143+4C>T (NM_001278616.2).
Identifiers: ClinVar variation 2772989 (VCV002772989.5), dbSNP rs373297870, ClinGen allele CA1827871.

ClinVar aggregate classification (germline): Uncertain significance. Review status: criteria provided, single submitter (1 of 4 stars). 2 submissions from 2 submitters: Uncertain significance (1). 1 of the submissions does not count toward it. Last evaluated 2025-04-14.

Conditions:
BUB1-related disorder. Also called: BUB1-related condition.

Allele frequency attached by ClinVar (database versions not stated): TOPMed 0.00017; ESP Exome Variant Server 0.00015; ExAC 0.00005; gnomAD 0.00017; gnomAD exomes 0.00031.
gnomAD v4.1: 471 of 1,611,188 alleles (0.029%); highest among the groups gnomAD compares: Non-Finnish European, 0.038%; 1 homozygote.

Submissions (2):

Labcorp Genetics (formerly Invitae), Labcorp
Classification: Uncertain significance. Last evaluated: 2025-04-14. Review status: criteria provided, single submitter. Criteria: Invitae Variant Classification Sherloc (09022015). Collection method: clinical testing. Allele origin: germline.
Comment: This sequence change falls in intron 18 of the BUB1 gene. It does not directly change the encoded amino acid sequence of the BUB1 protein. It affects a nucleotide within the consensus splice site. This variant is present in population databases (rs373297870, gnomAD 0.02%). This variant has not been reported in the literature in individuals affected with BUB1-related conditions. ClinVar contains an entry for this variant (Variation ID: 2772989). Variants that disrupt the consensus splice site are a relatively common cause of aberrant splicing (PMID: 17576681, 9536098). In summary, the available evidence is currently insufficient to determine the role of this variant in disease. Therefore, it has been classified as a Variant of Uncertain Significance.

PreventionGenetics, part of Exact Sciences
Classification: Likely benign for BUB1-related condition. Last evaluated: 2019-12-03. Review status: no assertion criteria provided. Collection method: clinical testing. Allele origin: germline. Not counted in ClinVar's aggregate classification.
Comment: This variant is classified as likely benign based on ACMG/AMP sequence variant interpretation guidelines (Richards et al. 2015 PMID: 25741868, with internal and published modifications).

Literature cited by the submitters: PubMed 17576681 (cited by Labcorp Genetics (formerly Invitae), Labcorp); PubMed 9536098 (cited by Labcorp Genetics (formerly Invitae), Labcorp).